The following is an entry in ClinVar:

NM_001376.5(DYNC1H1):c.3183G>C (p.Trp1061Cys)

Gene: DYNC1H1 (dynein cytoplasmic 1 heavy chain 1; plus strand). Cytogenetic location: 14q32.31.
Variant type: single nucleotide variant.
Coding change: c.3183G>C on transcript NM_001376.5 (MANE Select); coding-DNA position 3183, G replaced by C.
Protein change: p.Trp1061Cys; replaces tryptophan 1061 with cysteine.
Molecular consequence: missense variant.
Genome position (GRCh38, 1-based): chr14:101,994,699, G>C. VCF-style: chr14-101994699-G-C. GRCh37 (hg19) VCF-style: chr14-102461036-G-C.
Other names: short protein forms W1061C.
Identifiers: ClinVar variation 2830204 (VCV002830204.4), dbSNP rs2503714657, ClinGen allele CA391032833.

ClinVar aggregate classification (germline): Conflicting classifications of pathogenicity. Review status: criteria provided, conflicting classifications (1 of 4 stars). 2 submissions from 2 submitters: Likely pathogenic (1); Uncertain significance (1). Last evaluated 2024-10-10.

Conditions:
Cortical dysplasia, complex, with other brain malformations 13. Also called: Intellectual disability, autosomal dominant 13. Identifiers: MedGen C3281202, MONDO:0013805, OMIM 614563.
Charcot-Marie-Tooth disease axonal type 2O. Also called: CHARCOT-MARIE-TOOTH NEUROPATHY, AXONAL, TYPE 2O; CHARCOT-MARIE-TOOTH DISEASE, AXONAL, AUTOSOMAL DOMINANT, TYPE 2O; Charcot-Marie-Tooth Neuropathy Type 2O; Charcot-Marie-Tooth disease, axonal, type 20. Identifiers: Orphanet 284232, MedGen C3280220, MONDO:0013644, OMIM 614228.

Submissions (2):

Victorian Clinical Genetics Services, Murdoch Childrens Research Institute
Classification: Likely pathogenic for Cortical dysplasia, complex, with other brain malformations 13. Last evaluated: 2024-10-10. Review status: criteria provided, single submitter. Criteria: ACMG Guidelines, 2015. Collection method: clinical testing. Allele origin: germline. Inheritance: Autosomal dominant inheritance. Affected: yes.
Comment: Based on the classification scheme VCGS_Germline_v1.3.5, this variant is classified as Likely pathogenic. Following criteria are met: 0103 - Gain of function and loss of function are known mechanisms of disease in this gene. Gain-of-function is the mechanism for Charcot-Marie-Tooth disease, axonal, type 2O (MIM#614228) and spinal muscular atrophy, lower extremity-predominant 1 (MIM#158600; ClinGen). While the disease mechanism for cortical dysplasia, complex, with other brain malformations 13 (MIM#614563) is not well established (PMID: 28196890). (I) 0107 - This gene is associated with autosomal dominant disease. (I) 0200 - Variant is predicted to result in a missense amino acid change from tryptophan to cysteine. (I) 0251 - This variant is heterozygous. (I) 0301 - Variant is absent from gnomAD (v2, v3 and v4). (SP) 0501 - Missense variant consistently predicted to be damaging by multiple in silico tools or highly conserved with a major amino acid change. (SP) 0600 - Variant is located in the annotated dimerisation domain (PMID: 38513047). (I) 0705 - No comparable missense variants have previous evidence for pathogenicity. (I) 0809 - Previous evidence of pathogenicity for this variant is inconclusive. The variant has been reported as a VUS by a clinical testing laboratory. It was identified as de novo in an individual with possible seizures and behavior changes (ClinVar, personal communication). (I) 0905 - No published segregation evidence has been identified for this variant. (I) 1007 - No published functional evidence has been identified for this variant. (SP) Legend: (SP) - Supporting pathogenic, (I) - Information, (SB) - Supporting benign

Labcorp Genetics (formerly Invitae), Labcorp
Classification: Uncertain significance for Charcot-Marie-Tooth disease axonal type 2O. Last evaluated: 2023-01-19. Review status: criteria provided, single submitter. Criteria: Invitae Variant Classification Sherloc (09022015). Collection method: clinical testing. Allele origin: germline.
Comment: In summary, the available evidence is currently insufficient to determine the role of this variant in disease. Therefore, it has been classified as a Variant of Uncertain Significance. This sequence change replaces tryptophan, which is neutral and slightly polar, with cysteine, which is neutral and slightly polar, at codon 1061 of the DYNC1H1 protein (p.Trp1061Cys). This variant is not present in population databases (gnomAD no frequency). This variant has not been reported in the literature in individuals affected with DYNC1H1-related conditions. Advanced modeling of protein sequence and biophysical properties (such as structural, functional, and spatial information, amino acid conservation, physicochemical variation, residue mobility, and thermodynamic stability) performed at Invitae indicates that this missense variant is expected to disrupt DYNC1H1 protein function.

Literature cited by the submitters: PubMed 28196890 (cited by Victorian Clinical Genetics Services, Murdoch Childrens Research Institute); PubMed 38513047 (cited by Victorian Clinical Genetics Services, Murdoch Childrens Research Institute).